The following is an entry in ClinVar:

NM_016247.4(IMPG2):c.3439C>T (p.Pro1147Ser)

Gene: IMPG2 (interphotoreceptor matrix proteoglycan 2; minus strand). Cytogenetic location: 3q12.3.
Variant type: single nucleotide variant.
Coding change: c.3439C>T on transcript NM_016247.4 (MANE Select); coding-DNA position 3439, C replaced by T.
Protein change: p.Pro1147Ser; replaces proline 1147 with serine.
Molecular consequence: missense variant.
Genome position (GRCh38, 1-based): chr3:101,229,574, G>A on the plus strand (C>T on the coding strand, the complement: IMPG2 is on the minus strand). VCF-style: chr3-101229574-G-A. GRCh37 (hg19) VCF-style: chr3-100948418-G-A.
Other names: short protein forms P1147S.
Identifiers: ClinVar variation 191179 (VCV000191179.19), dbSNP rs111784356, ClinGen allele CA236192.

ClinVar aggregate classification (germline): Conflicting classifications of pathogenicity. Review status: criteria provided, conflicting classifications (1 of 4 stars). 5 submissions from 5 submitters: Uncertain significance (1); Benign (3); Likely benign (1). Last evaluated 2026-02-01.

Conditions:
Retinitis pigmentosa (RP). Identifiers: Orphanet 791, MedGen C0035334, MeSH D012174, MONDO:0019200, OMIM 268000. Inheritance: Autosomal dominant, autosomal recessive and X linked inheritance.

Allele frequency attached by ClinVar (database versions not stated): TOPMed 0.02173; ESP Exome Variant Server 0.02222; gnomAD exomes 0.00509; ExAC 0.00613; 1000 Genomes Project 0.01717; 1000 Genomes Project 30x 0.01765; gnomAD 0.01875 and 0.02010.
gnomAD v4.1: 5,780 of 1,613,846 alleles (0.36%); highest among the groups gnomAD compares: African/African-American, 6.6%; 166 homozygotes.

Submissions (5):

Labcorp Genetics (formerly Invitae), Labcorp
Classification: Benign. Last evaluated: 2026-02-01. Review status: criteria provided, single submitter. Criteria: Invitae Variant Classification Sherloc (09022015). Collection method: clinical testing. Allele origin: germline.

GeneDx
Classification: Benign. Last evaluated: 2021-02-02. Review status: criteria provided, single submitter. Criteria: GeneDx Variant Classification Process June 2021. Collection method: clinical testing. Allele origin: germline. Affected: yes.

Mendelics
Classification: Uncertain significance for Retinitis pigmentosa. Last evaluated: 2019-05-28. Review status: criteria provided, single submitter. Criteria: Mendelics Assertion Criteria 2017. Collection method: clinical testing. Allele origin: unknown.

Illumina Laboratory Services, Illumina
Classification: Benign for Retinitis pigmentosa. Last evaluated: 2017-04-27. Review status: criteria provided, single submitter. Criteria: ICSL Variant Classification Criteria 13 December 2019. Collection method: clinical testing. Allele origin: germline.
Comment: This variant was observed as part of a predisposition screen in an ostensibly healthy population. A literature search was performed for the gene, cDNA change, and amino acid change (where applicable). Publications were found based on this search. The evidence from the literature, in combination with allele frequency data from public databases where available, was sufficient to rule this variant out of causing disease. Therefore, this variant is classified as benign.

Genomic Medicine Center of Excellence, King Faisal Specialist Hospital and Research Centre
Classification: Likely benign. Last evaluated: 2016-09-28. Review status: criteria provided, single submitter. Criteria: ACMG Guidelines, 2015. Collection method: research. Allele origin: germline. Affected: yes.

Literature cited by the submitters: PubMed 22277662 (cited by Illumina Laboratory Services, Illumina).